The following is an entry in ClinVar:

ClinVar aggregate classification (germline): Uncertain significance. Review status: criteria provided, multiple submitters, no conflicts (2 of 4 stars). 11 submissions from 6 submitters: Uncertain significance (11). Last evaluated 2024-10-10.

Conditions:
Familial thoracic aortic aneurysm and aortic dissection (TAAD). Also called: Thoracic aortic aneurysms and dissections. Identifiers: Orphanet 91387, MedGen C4707243, MONDO:0019625.
Marfan syndrome (MFS). Also called: FBN1-Related Marfan Syndrome; Marfan's syndrome; MARFAN SYNDROME, TYPE I; Marfan syndrome type 1; Marfan syndrome, classic. Identifiers: Orphanet 284963, Orphanet 558, MedGen C0024796, MONDO:0007947, OMIM 154700.
Weill-Marchesani syndrome. Also called: WM Syndrome; Mesodermal dysmorphodystrophy congenital. Identifiers: Orphanet 3449, MedGen C0265313, MONDO:0018096.
Acromicric dysplasia (ACMICD). Also called: Acromicric skeletal dysplasia. Identifiers: Orphanet 969, MedGen C0265287, MONDO:0007055, OMIM 102370.
Stiff skin syndrome (SSKS). Identifiers: Orphanet 2833, MedGen C1861456, MONDO:0008492, OMIM 184900.
Ectopia lentis 1, isolated, autosomal dominant (ECTOL1). Identifiers: Orphanet 1885, MedGen C3541518, MONDO:0007514, OMIM 129600.

Allele frequency attached by ClinVar (database versions not stated): gnomAD exomes 0.00001.
gnomAD v4.1: 13 of 1,614,006 alleles (0.00081%); highest among the groups gnomAD compares: Non-Finnish European, 0.0011%; no homozygotes.

Submissions (11):

Labcorp Genetics (formerly Invitae), Labcorp
Classification: Uncertain significance for Marfan syndrome; Familial thoracic aortic aneurysm and aortic dissection. Last evaluated: 2024-10-10. Review status: criteria provided, single submitter. Criteria: Invitae Variant Classification Sherloc (09022015). Collection method: clinical testing. Allele origin: germline.
Comment: This sequence change replaces glutamic acid, which is acidic and polar, with glycine, which is neutral and non-polar, at codon 740 of the FBN1 protein (p.Glu740Gly). This variant is not present in population databases (gnomAD no frequency). This variant has not been reported in the literature in individuals affected with FBN1-related conditions. ClinVar contains an entry for this variant (Variation ID: 884371). Invitae Evidence Modeling of protein sequence and biophysical properties (such as structural, functional, and spatial information, amino acid conservation, physicochemical variation, residue mobility, and thermodynamic stability) indicates that this missense variant is expected to disrupt FBN1 protein function with a positive predictive value of 95%. In summary, the available evidence is currently insufficient to determine the role of this variant in disease. Therefore, it has been classified as a Variant of Uncertain Significance.

Victorian Clinical Genetics Services, Murdoch Childrens Research Institute
Classification: Uncertain significance for Marfan syndrome. Last evaluated: 2024-10-08. Review status: criteria provided, single submitter. Criteria: ACMG Guidelines, 2015. Collection method: clinical testing. Allele origin: germline. Inheritance: Autosomal dominant inheritance. Affected: yes.
Comment: Based on the classification scheme VCGS_Germline_v1.3.4, this variant is classified as VUS-3B. Following criteria are met: 0103 - Dominant negative and loss of function are known mechanisms of disease in this gene and are associated with FBN1-related disease. Variants predicted to result in nonsense mediated decay cause loss of function effects, and are more commonly associated with severe Marfan syndrome (MIM#154700). Missense variants with both dominant negative and loss of function effects on protein function, are associated with Marfan syndrome and ectopia lentis (MIM#129600) (OMIM, PMID: 29357934). The exact genotype-phenotype correlation for this gene is still unclear, and is compounded by variable expressivity (PMID: 20301510). (I) 0107 - This gene is predominantly associated with autosomal dominant disease; autosomal recessive forms of Marfan syndrome have rarely been reported (PMID: 27274304; 31950671). (I) 0115 - Variants in this gene are known to have variable expressivity. The genotype-phenotype correlations for this gene are unclear, with single variants reported in patients with a range of phenotypes (PMID: 20301510, OMIM). (I) 0200 - Variant is predicted to result in a missense amino acid change from glutamic acid to glycine. (I) 0251 - This variant is heterozygous. (I) 0301 - Variant is absent from gnomAD (both v2 and v3). (SP) 0501 - Missense variant consistently predicted to be damaging by multiple in silico tools or highly conserved with a major amino acid change. (SP) 0600 - Variant is located in the annotated calcium-binding EGF domain (DECIPHER). (I) 0705 - No comparable missense variants have previous evidence for pathogenicity. An alternative amino acid substitution at the same position, which has a higher Grantham property score variation, p.(Glu740Ala), has been reported twice as a VUS (ClinVar). (I) 0809 - Previous evidence of pathogenicity for this variant is inconclusive. It has been reported twice as a VUS (ClinVar). (I) 0905 - No published segregation evidence has been identified for this variant. (I) 1007 - No published functional evidence has been identified for this variant. (I) 1208 - Inheritance information for this variant is not currently available in this individual. (I) Legend: (SP) - Supporting pathogenic, (I) - Information, (SB) - Supporting benign

Women's Health and Genetics/Laboratory Corporation of America, LabCorp
Classification: Uncertain significance. Last evaluated: 2024-05-05. Review status: criteria provided, single submitter. Criteria: LabCorp Variant Classification Summary - May 2015. Collection method: clinical testing. Allele origin: germline.
Comment: Variant summary: FBN1 c.2219A>G (p.Glu740Gly) results in a non-conservative amino acid change in the EGF-like domain (IPR000742) of the encoded protein sequence. Five of five in-silico tools predict a damaging effect of the variant on protein function. The variant was absent in 251396 control chromosomes (gnomAD). The available data on variant occurrences in the general population are insufficient to allow any conclusion about variant significance. To our knowledge, no occurrence of c.2219A>G in individuals affected with Marfan Syndrome and no experimental evidence demonstrating its impact on protein function have been reported. ClinVar contains an entry for this variant (Variation ID: 884371). Based on the evidence outlined above, the variant was classified as uncertain significance.

Color Diagnostics, LLC DBA Color Health
Classification: Uncertain significance for Familial thoracic aortic aneurysm and aortic dissection. Last evaluated: 2024-03-06. Review status: criteria provided, single submitter. Criteria: ACMG Guidelines, 2015. Collection method: clinical testing. Allele origin: germline.
Comment: This missense variant replaces glutamic acid with glycine at codon 740 of the FBN1 protein. Computational prediction suggests that this variant may have deleterious impact on protein structure and function (internally defined REVEL score threshold >= 0.7, PMID: 27666373). To our knowledge, functional studies have not been reported for this variant. This variant has not been reported in individuals affected with FBN1-related disorders in the literature. This variant has not been identified in the general population by the Genome Aggregation Database (gnomAD). The available evidence is insufficient to determine the role of this variant in disease conclusively. Therefore, this variant is classified as a Variant of Uncertain Significance.

All of Us Research Program, National Institutes of Health
Classification: Uncertain significance for Marfan syndrome. Last evaluated: 2023-06-26. Review status: criteria provided, single submitter. Criteria: ACMG Guidelines, 2015. Collection method: clinical testing. Allele origin: germline. Inheritance: Autosomal dominant inheritance. Observed: 1 variant allele, 1 heterozygote.
Comment: This missense variant replaces glutamic acid with glycine at codon 740 of the FBN1 protein. Computational prediction suggests that this variant may have deleterious impact on protein structure and function (internally defined REVEL score threshold >= 0.7, PMID: 27666373). To our knowledge, functional studies have not been reported for this variant. This variant has not been reported in individuals affected with cardiovascular disorders in the literature. This variant has not been identified in the general population by the Genome Aggregation Database (gnomAD). The available evidence is insufficient to determine the role of this variant in disease conclusively. Therefore, this variant is classified as a Variant of Uncertain Significance.

This study involves interpretation of variants in research participants for the purpose of population health screening. Participant phenotype was not available at the time of variant classification. Additional details can be found in publication PMID: 35346344, PMCID: PMC8962531

Illumina Laboratory Services, Illumina
Classification: Uncertain significance for Marfan syndrome. Last evaluated: 2018-01-13. Review status: criteria provided, single submitter. Criteria: ICSL Variant Classification Criteria 13 December 2019. Collection method: clinical testing. Allele origin: germline.

Illumina Laboratory Services, Illumina
Classification: Uncertain significance for Ectopia lentis 1, isolated, autosomal dominant. Last evaluated: 2018-01-13. Review status: criteria provided, single submitter. Criteria: ICSL Variant Classification Criteria 13 December 2019. Collection method: clinical testing. Allele origin: germline.

Illumina Laboratory Services, Illumina
Classification: Uncertain significance for Stiff skin syndrome. Last evaluated: 2018-01-13. Review status: criteria provided, single submitter. Criteria: ICSL Variant Classification Criteria 13 December 2019. Collection method: clinical testing. Allele origin: germline.

Illumina Laboratory Services, Illumina
Classification: Uncertain significance for Acromicric dysplasia. Last evaluated: 2018-01-13. Review status: criteria provided, single submitter. Criteria: ICSL Variant Classification Criteria 13 December 2019. Collection method: clinical testing. Allele origin: germline.

Illumina Laboratory Services, Illumina
Classification: Uncertain significance for Familial thoracic aortic aneurysm and aortic dissection. Last evaluated: 2018-01-13. Review status: criteria provided, single submitter. Criteria: ICSL Variant Classification Criteria 13 December 2019. Collection method: clinical testing. Allele origin: germline.

Illumina Laboratory Services, Illumina
Classification: Uncertain significance for Weill-Marchesani syndrome. Last evaluated: 2018-01-13. Review status: criteria provided, single submitter. Criteria: ICSL Variant Classification Criteria 13 December 2019. Collection method: clinical testing. Allele origin: germline.

Literature cited by the submitters: PubMed 20301510 (cited by Victorian Clinical Genetics Services, Murdoch Childrens Research Institute); PubMed 27274304 (cited by Victorian Clinical Genetics Services, Murdoch Childrens Research Institute); PubMed 29357934 (cited by Victorian Clinical Genetics Services, Murdoch Childrens Research Institute); PubMed 31950671 (cited by Victorian Clinical Genetics Services, Murdoch Childrens Research Institute).

NM_000138.5(FBN1):c.2219A>G (p.Glu740Gly)

Gene: FBN1 (fibrillin 1; minus strand). Cytogenetic location: 15q21.1.
Variant type: single nucleotide variant.
Coding change: c.2219A>G on transcript NM_000138.5 (MANE Select); coding-DNA position 2219, A replaced by G.
Protein change: p.Glu740Gly; replaces glutamic acid 740 with glycine.
Molecular consequence: missense variant.
Genome position (GRCh38, 1-based): chr15:48,497,340, T>C on the plus strand (A>G on the coding strand, the complement: FBN1 is on the minus strand). VCF-style: chr15-48497340-T-C. GRCh37 (hg19) VCF-style: chr15-48789537-T-C.
Other names: short protein forms E740G.
Identifiers: ClinVar variation 884371 (VCV000884371.14), dbSNP rs2043616665, ClinGen allele CA392335741.
Genomic context (GRCh38, chr15:48,497,340, plus strand): 5'-CCAGTTGAATCCACTTCATATCCTGAATTGCATATACATTTATAGGTCCCACGAAGGTTT[T>C]CACAGATTCCATTTGGGCAAATATCAGGATCTAGTGCACATTCATTTATATCTGCACCAC-3'
Protein context (NP_000129.3, residues 730-750): DPDICPNGIC[Glu740Gly]NLRGTYKCIC